The following is an entry in ClinVar:

NM_000038.6(APC):c.1113A>G (p.Gly371=)

Gene: APC (APC regulator of Wnt signaling pathway; plus strand). Cytogenetic location: 5q22.2.
Variant type: single nucleotide variant.
Coding change: c.1113A>G on transcript NM_000038.6 (MANE Select); coding-DNA position 1113, A replaced by G.
Protein change: p.Gly371=; no amino-acid change (glycine 371 retained).
Molecular consequence: synonymous variant. On other transcripts: non-coding transcript variant (2), intron variant (15).
Genome position (GRCh38, 1-based): chr5:112,819,145, A>G. VCF-style: chr5-112819145-A-G. GRCh37 (hg19) VCF-style: chr5-112154842-A-G.
Other names: c.1113A>G, p.Gly371= (NM_001127510.3, NM_001354895.2, NM_001354896.2 and 4 more transcripts); c.1059A>G, p.Gly353= (NM_001127511.3); c.1143A>G, p.Gly381= (NM_001354897.2, NM_001407446.1); c.1038A>G, p.Gly346= (NM_001354898.2, NM_001407451.1); c.1029A>G, p.Gly343= (NM_001354899.2, NM_001407452.1); c.936A>G, p.Gly312= (NM_001354900.2, NM_001354901.2, NM_001407453.1); c.264A>G, p.Gly88= (NM_001354906.2, NM_001407470.1); c.85-124A>G (NM_001407472.1, NM_001407471.1); and 5 more.
Identifiers: ClinVar variation 3147998 (VCV003147998.1), dbSNP rs2149781330, ClinGen allele CA445960282.

ClinVar aggregate classification (germline): Benign (1 of 4 stars; one submission).

Conditions:
Familial adenomatous polyposis 1 (FAP1). Also called: POLYPOSIS, ADENOMATOUS INTESTINAL; FAMILIAL ADENOMATOUS POLYPOSIS 1, ATTENUATED. Identifiers: MedGen C2713442, MONDO:0021056, OMIM 175100. Disease mechanism: loss of function.

Submission:

Myriad Genetics, Inc.
Classification: Benign for Familial adenomatous polyposis 1. Last evaluated: 2024-02-29. Review status: criteria provided, single submitter. Criteria: Myriad Autosomal Dominant, Autosomal Recessive and X-Linked Classification Criteria (2023). Collection method: clinical testing. Allele origin: unknown.
Comment: This variant is considered benign. This variant is a silent/synonymous amino acid change and it is not expected to impact splicing.